The following is an entry in ClinVar:

NM_032977.4(CASP10):c.103G>A (p.Asp35Asn)

Gene: CASP10 (caspase 10; plus strand). Cytogenetic location: 2q33.1.
Variant type: single nucleotide variant.
Coding change: c.103G>A on transcript NM_032977.4 (MANE Select); coding-DNA position 103, G replaced by A.
Protein change: p.Asp35Asn; replaces aspartic acid 35 with asparagine.
Molecular consequence: missense variant.
Genome position (GRCh38, 1-based): chr2:201,185,880, G>A. VCF-style: chr2-201185880-G-A. GRCh37 (hg19) VCF-style: chr2-202050603-G-A.
Other names: c.103G>A, p.Asp35Asn (NM_001206524.2, NM_001206542.2, NM_001230.5 and 3 more transcripts); short protein forms D35N.
Identifiers: ClinVar variation 2921782 (VCV002921782.3), dbSNP rs2469359937, ClinGen allele CA350277581.

ClinVar aggregate classification (germline): Uncertain significance (1 of 4 stars; one submission).

Conditions:
Autoimmune lymphoproliferative syndrome type 2A (ALPS2A). Also called: AUTOIMMUNE LYMPHOPROLIFERATIVE SYNDROME, TYPE IIA; CASP10-Related Autoimmune Lymphoproliferative Syndrome; Autoimmune lymphoproliferative syndrome type 2. Identifiers: Orphanet 3261, MedGen C1858968, MONDO:0011383, OMIM 603909.

Submission:

Labcorp Genetics (formerly Invitae), Labcorp
Classification: Uncertain significance for Autoimmune lymphoproliferative syndrome type 2A. Last evaluated: 2023-12-30. Review status: criteria provided, single submitter. Criteria: Invitae Variant Classification Sherloc (09022015). Collection method: clinical testing. Allele origin: germline.
Comment: This sequence change replaces aspartic acid, which is acidic and polar, with asparagine, which is neutral and polar, at codon 35 of the CASP10 protein (p.Asp35Asn). This variant is not present in population databases (gnomAD no frequency). This variant has not been reported in the literature in individuals affected with CASP10-related conditions. Advanced modeling of protein sequence and biophysical properties (such as structural, functional, and spatial information, amino acid conservation, physicochemical variation, residue mobility, and thermodynamic stability) performed at Invitae indicates that this missense variant is not expected to disrupt CASP10 protein function with a negative predictive value of 80%. In summary, the available evidence is currently insufficient to determine the role of this variant in disease. Therefore, it has been classified as a Variant of Uncertain Significance.